The following is an entry in ClinVar:

NM_000169.3(GLA):c.370-2A>C

Genes: GLA (galactosidase alpha; minus strand), RPL36A-HNRNPH2 (RPL36A-HNRNPH2 readthrough; plus strand). Cytogenetic location: Xq22.1.
Variant type: single nucleotide variant.
Coding change: c.370-2A>C on transcript NM_000169.3 (MANE Select); the canonical splice acceptor site of the intron before coding-DNA position 370, A replaced by C.
Molecular consequence: splice acceptor variant. On other transcripts: intron variant (2).
Genome position (GRCh38, 1-based): chrX:101,401,811, T>G on the plus strand (A>C on the coding strand, the complement: GLA is on the minus strand). VCF-style: chrX-101401811-T-G. GRCh37 (hg19) VCF-style: chrX-100656799-T-G.
Other names: c.300+6354T>G (NM_001199973.2); c.177+9989T>G (NM_001199974.2); c.493-2A>C (NM_001406747.1, NM_001406749.1); c.370-2A>C (NM_001406748.1).
Identifiers: ClinVar variation 997928 (VCV000997928.11), dbSNP rs730880444, ClinGen allele CA413931058.

ClinVar aggregate classification (germline): Pathogenic. Review status: criteria provided, multiple submitters, no conflicts (2 of 4 stars). 2 submissions from 2 submitters: Pathogenic (2). Last evaluated 2026-01-13.

Conditions:
Fabry disease. Also called: ALPHA-GALACTOSIDASE A DEFICIENCY; ANDERSON-FABRY DISEASE; CERAMIDE TRIHEXOSIDASE DEFICIENCY; GLA DEFICIENCY; HEREDITARY DYSTOPIC LIPIDOSIS; Fabry's disease. Identifiers: Orphanet 324, MedGen C0002986, MONDO:0010526, OMIM 301500, HP:0001071. Disease mechanism: Fabry disease is due to inactivating mutations in the X-linked GLA gene resulting in deficiency of the enzyme Alpha Galactosidase-A., loss of function.

Submissions (2):

Labcorp Genetics (formerly Invitae), Labcorp
Classification: Pathogenic for Fabry disease. Last evaluated: 2026-01-13. Review status: criteria provided, single submitter. Criteria: Invitae Variant Classification Sherloc (09022015). Collection method: clinical testing. Allele origin: germline.
Comment: This sequence change affects an acceptor splice site in intron 2 of the GLA gene. It is expected to disrupt RNA splicing. Variants that disrupt the donor or acceptor splice site typically lead to a loss of protein function (PMID: 16199547), and loss-of-function variants in GLA are known to be pathogenic (PMID: 10666480, 12175777). This variant is not present in population databases (gnomAD no frequency). Disruption of this splice site has been observed in individual(s) with Fabry disease (PMID: 15776423, 28728877; internal data). ClinVar contains an entry for this variant (Variation ID: 997928). Algorithms developed to predict the effect of sequence changes on RNA splicing suggest that this variant may disrupt the consensus splice site. For these reasons, this variant has been classified as Pathogenic.

Women's Health and Genetics/Laboratory Corporation of America, LabCorp
Classification: Pathogenic for Fabry disease. Last evaluated: 2026-01-05. Review status: criteria provided, single submitter. Criteria: LabCorp Variant Classification Summary - May 2015. Collection method: clinical testing. Allele origin: germline.
Comment: Variant summary: GLA c.370-2A>C is located in a canonical splice-site and is predicted to affect mRNA splicing resulting in a significantly altered protein due to either exon skipping, shortening, or inclusion of intronic material. Variants that disrupt the consensus splice site are a relatively common cause of aberrant splicing and loss of GLA function. Several computational tools predict a significant impact on normal splicing: Four predict the variant abolishes a 3' acceptor site. Four predict the variant strengthens a cryptic 3' acceptor site. However, these predictions have yet to be confirmed by functional studies. The variant was absent in 183294 control chromosomes. To our knowledge, no occurrence of c.370-2A>C in individuals affected with GLA-related conditions and no experimental evidence demonstrating its impact on protein function have been reported. A different variant at the same canonical splice site (c.370-2A>G) has been reported in multiple individuals with clinical and/or biochemical features of Fabry disease, including at least 1 family where it segregated with disease (PMID: 15776423, 34785703, 28049500). ClinVar contains an entry for this variant (Variation ID: 997928). Based on the evidence outlined above, the variant was classified as pathogenic.

Literature cited by the submitters: PubMed 16199547 (cited by Labcorp Genetics (formerly Invitae), Labcorp); PubMed 10666480 (cited by Labcorp Genetics (formerly Invitae), Labcorp); PubMed 12175777 (cited by Labcorp Genetics (formerly Invitae), Labcorp); PubMed 15776423 (cited by Labcorp Genetics (formerly Invitae), Labcorp); PubMed 28728877 (cited by Labcorp Genetics (formerly Invitae), Labcorp).